The following is an entry in ClinVar:

ClinVar aggregate classification (germline): Uncertain significance (1 of 4 stars; one submission).

Conditions:
Hereditary cancer-predisposing syndrome. Also called: Neoplastic Syndromes, Hereditary; Tumor predisposition; Hereditary Cancer Syndrome; Hereditary neoplastic syndrome. Identifiers: Orphanet 140162, MedGen C0027672, MeSH D009386, MONDO:0015356.

Submission:

Ambry Genetics
Classification: Uncertain significance for Hereditary cancer-predisposing syndrome. Last evaluated: 2024-05-29. Review status: criteria provided, single submitter. Criteria: Ambry Variant Classification Scheme 2023. Collection method: clinical testing. Allele origin: germline.
Comment: The p.W34R variant (also known as c.100T>A), located in coding exon 1 of the CDKN2A gene, results from a T to A substitution at nucleotide position 100. The tryptophan at codon 34 is replaced by arginine, an amino acid with dissimilar properties. This amino acid position is not well conserved in available vertebrate species. In addition, this alteration is predicted to be tolerated by in silico analysis. Based on the available evidence, the clinical significance of this variant remains unclear.

NM_058195.4(CDKN2A):c.100T>A (p.Trp34Arg)

Gene: CDKN2A (cyclin dependent kinase inhibitor 2A; minus strand). Cytogenetic location: 9p21.3.
Variant type: single nucleotide variant.
Coding change: c.100T>A on transcript NM_058195.4 (MANE Plus Clinical); coding-DNA position 100, T replaced by A.
Protein change: p.Trp34Arg; replaces tryptophan 34 with arginine.
Molecular consequence: missense variant. On other transcripts: intron variant (1).
Genome position (GRCh38, 1-based): chr9:21,994,232, A>T on the plus strand (T>A on the coding strand, the complement: CDKN2A is on the minus strand). VCF-style: chr9-21994232-A-T. GRCh37 (hg19) VCF-style: chr9-21994231-A-T.
Other names: c.-4+589T>A (NM_001363763.2); short protein forms W34R.
Identifiers: ClinVar variation 3265571 (VCV003265571.1).